The following is an entry in ClinVar:

NM_000548.5(TSC2):c.263T>C (p.Leu88Pro)

Gene: TSC2 (TSC complex subunit 2; plus strand). Cytogenetic location: 16p13.3.
Variant type: single nucleotide variant.
Coding change: c.263T>C on transcript NM_000548.5 (MANE Select); coding-DNA position 263, T replaced by C.
Protein change: p.Leu88Pro; replaces leucine 88 with proline.
Molecular consequence: missense variant. On other transcripts: intron variant (9), 5 prime UTR variant (14), non-coding transcript variant (5).
Genome position (GRCh38, 1-based): chr16:2,053,379, T>C. VCF-style: chr16-2053379-T-C. GRCh37 (hg19) VCF-style: chr16-2103380-T-C.
Other names: c.-1-2817T>C (NM_001406682.1, NM_001406684.1, NM_001406685.1 and 3 more transcripts); c.-1050T>C (NM_001406695.1, NM_001406694.1); c.-1157T>C (NM_001406696.1); c.-1169T>C (NM_001406697.1, NM_001406689.1, NM_001406690.1 and 2 more transcripts); c.-1345T>C (NM_001406698.1); c.263T>C, p.Leu88Pro (NM_021055.3, NM_001077183.3, NM_001114382.3 and 10 more transcripts); c.226-917T>C (NM_001406670.1, NM_001318827.2, NM_001406678.1); c.116T>C, p.Leu39Pro (NM_001318829.2, NM_001406675.1, NM_001406676.1 and 2 more transcripts); and 4 more; short protein forms L39P, L88P, L99P.
Identifiers: ClinVar variation 5036919 (VCV005036919.1).
Genomic context (GRCh38, chr16:2,053,379, plus strand): 5'-GCTGTCCCCTCTGCTGGTGACAGCACGCAGTGGAAGCACTCTGGAAGGCGGTCGCGGATC[T>C]GTTGCAGCCGGAGCGGCCGCTGGAGGCCCGGCACGCGGTGCTGGCTCTGCTGAAGGCCAT-3'
Protein context (NP_000539.2, residues 78-98): VEALWKAVAD[Leu88Pro]LQPERPLEAR

ClinVar aggregate classification (germline): Uncertain significance (1 of 4 stars; one submission).

Submission:

GeneDx
Classification: Uncertain significance. Last evaluated: 2026-04-20. Review status: criteria provided, single submitter. Criteria: GeneDx Variant Classification Process June 2021. Collection method: clinical testing. Allele origin: germline.
Comment: Not observed at significant frequency in large population cohorts (gnomAD); In silico analysis supports that this missense variant has a deleterious effect on protein structure/function; Has not been previously published as pathogenic or benign to our knowledge